The following is an entry in ClinVar:

NM_016734.3(PAX5):c.461C>T (p.Ser154Phe)

Genes: PAX5 (paired box 5; minus strand), LOC105376032 (uncharacterized LOC105376032; plus strand). Cytogenetic location: 9p13.2.
Variant type: single nucleotide variant.
Coding change: c.461C>T on transcript NM_016734.3 (MANE Select); coding-DNA position 461, C replaced by T.
Protein change: p.Ser154Phe; replaces serine 154 with phenylalanine.
Molecular consequence: missense variant. On other transcripts: non-coding transcript variant (2).
Genome position (GRCh38, 1-based): chr9:37,006,487, G>A on the plus strand (C>T on the coding strand, the complement: PAX5 is on the minus strand). VCF-style: chr9-37006487-G-A. GRCh37 (hg19) VCF-style: chr9-37006484-G-A.
Other names: c.461C>T, p.Ser154Phe (NM_001280547.2, NM_001280548.2, NM_001280549.2 and 4 more transcripts); c.137C>T, p.Ser46Phe (NM_001280551.2, NM_001280556.2); c.263C>T, p.Ser88Phe (NM_001280555.2); short protein forms S46F, S88F, S154F.
Identifiers: ClinVar variation 3928301 (VCV003928301.1).

ClinVar aggregate classification (germline): Uncertain significance (1 of 4 stars; one submission).

Conditions:
Inborn genetic diseases. Identifiers: MedGen C0950123, MeSH D030342.

Submission:

Ambry Genetics
Classification: Uncertain significance for Inborn genetic diseases. Last evaluated: 2025-04-17. Review status: criteria provided, single submitter. Criteria: Ambry Variant Classification Scheme 2023. Collection method: clinical testing. Allele origin: germline.
Comment: The p.S154F variant (also known as c.461C>T), located in coding exon 4 of the PAX5 gene, results from a C to T substitution at nucleotide position 461. The serine at codon 154 is replaced by phenylalanine, an amino acid with highly dissimilar properties. This amino acid position is conserved. In addition, the in silico prediction for this alteration is inconclusive. Based on the available evidence, the clinical significance of this variant remains unclear.